The following is an entry in ClinVar:

ClinVar aggregate classification (germline): Uncertain significance (1 of 4 stars; one submission).

Conditions:
Cystic fibrosis (CF). Also called: MUCOVISCIDOSIS. Identifiers: Orphanet 586, MedGen C0010674, MONDO:0009061, OMIM 219700. Disease mechanism: loss of function.

Allele frequency attached by ClinVar (database versions not stated): gnomAD exomes below 0.00001.
gnomAD v4.1: 1 of 1,612,918 alleles (0.000062%); highest among the groups gnomAD compares: Non-Finnish European, 0.000085%; no homozygotes.

Submission:

Ambry Genetics
Classification: Uncertain significance for Cystic fibrosis. Last evaluated: 2022-08-16. Review status: criteria provided, single submitter. Criteria: Ambry Variant Classification Scheme 2023. Collection method: clinical testing. Allele origin: germline.
Comment: The p.I37T variant (also known as c.110T>C), located in coding exon 2 of the CFTR gene, results from a T to C substitution at nucleotide position 110. The isoleucine at codon 37 is replaced by threonine, an amino acid with similar properties. This amino acid position is conserved. In addition, this alteration is predicted to be deleterious by in silico analysis. Since supporting evidence is limited at this time, the clinical significance of this alteration remains unclear.

NM_000492.4(CFTR):c.110T>C (p.Ile37Thr)

Gene: CFTR (CF transmembrane conductance regulator; plus strand). Cytogenetic location: 7q31.2.
Variant type: single nucleotide variant.
Coding change: c.110T>C on transcript NM_000492.4 (MANE Select); coding-DNA position 110, T replaced by C.
Protein change: p.Ile37Thr; replaces isoleucine 37 with threonine.
Molecular consequence: missense variant.
Genome position (GRCh38, 1-based): chr7:117,504,309, T>C. VCF-style: chr7-117504309-T-C. GRCh37 (hg19) VCF-style: chr7-117144363-T-C.
Other names: short protein forms I37T.
Identifiers: ClinVar variation 1794858 (VCV001794858.2), dbSNP rs2484968262, ClinGen allele CA368987191.